The following is an entry in ClinVar:

ClinVar aggregate classification (germline): Uncertain significance (1 of 4 stars; one submission).

Conditions:
Ullrich congenital muscular dystrophy 2 (UCMD2). Identifiers: Orphanet 75840, MedGen C4225314, MONDO:0014654, OMIM 616470.
Bethlem myopathy 2 (BTHLM2). Identifiers: Orphanet 536516, Orphanet 610, MedGen C4225313, MONDO:0034022, OMIM 616471.

gnomAD v4.1: 2 of 1,614,146 alleles (0.00012%); highest among the groups gnomAD compares: Admixed American, 0.0017%; no homozygotes.

Submission:

Labcorp Genetics (formerly Invitae), Labcorp
Classification: Uncertain significance for Bethlem myopathy 2; Ullrich congenital muscular dystrophy 2. Last evaluated: 2025-08-06. Review status: criteria provided, single submitter. Criteria: Invitae Variant Classification Sherloc (09022015). Collection method: clinical testing. Allele origin: germline.
Comment: This sequence change replaces proline, which is neutral and non-polar, with serine, which is neutral and polar, at codon 358 of the COL12A1 protein (p.Pro358Ser). This variant is not present in population databases (gnomAD no frequency). This variant has not been reported in the literature in individuals affected with COL12A1-related conditions. Invitae Evidence Modeling of protein sequence and biophysical properties (such as structural, functional, and spatial information, amino acid conservation, physicochemical variation, residue mobility, and thermodynamic stability) indicates that this missense variant is not expected to disrupt COL12A1 protein function with a negative predictive value of 80%. In summary, the available evidence is currently insufficient to determine the role of this variant in disease. Therefore, it has been classified as a Variant of Uncertain Significance.

NM_004370.6(COL12A1):c.1072C>T (p.Pro358Ser)

Gene: COL12A1 (collagen type XII alpha 1 chain; minus strand). Cytogenetic location: 6q13.
Variant type: single nucleotide variant.
Coding change: c.1072C>T on transcript NM_004370.6 (MANE Select); coding-DNA position 1072, C replaced by T.
Protein change: p.Pro358Ser; replaces proline 358 with serine.
Molecular consequence: missense variant. On other transcripts: intron variant (2).
Genome position (GRCh38, 1-based): chr6:75,184,070, G>A on the plus strand (C>T on the coding strand, the complement: COL12A1 is on the minus strand). VCF-style: chr6-75184070-G-A. GRCh37 (hg19) VCF-style: chr6-75893786-G-A.
Other names: c.1072C>T, p.Pro358Ser (NM_001424113.1, NM_001424114.1, NM_001424115.1); c.73+18650C>T (NM_001424116.1, NM_080645.3); short protein forms P358S.
Identifiers: ClinVar variation 4794728 (VCV004794728.1).